The following is an entry in ClinVar:

ClinVar aggregate classification (germline): Pathogenic. Review status: criteria provided, multiple submitters, no conflicts (2 of 4 stars). 2 submissions from 2 submitters: Pathogenic (2). Last evaluated 2022-04-13.

Conditions:
Hereditary breast ovarian cancer syndrome. Also called: Hereditary breast and ovarian cancer syndrome (HBOC); BRCA1- and BRCA2-Associated Hereditary Breast and Ovarian Cancer; Hereditary breast and/or ovarian cancer syndrome; Hereditary breast and ovarian cancer syndrome; Hereditary breast and ovarian cancer; Breast and ovarian cancer. Identifiers: Orphanet 145, MedGen C0677776, MeSH D061325, MONDO:0003582. Disease mechanism: loss of function.
Hereditary cancer-predisposing syndrome. Also called: Neoplastic Syndromes, Hereditary; Hereditary neoplastic syndrome; Tumor predisposition; Hereditary Cancer Syndrome. Identifiers: Orphanet 140162, MedGen C0027672, MeSH D009386, MONDO:0015356.

Submissions (3):

Ambry Genetics
Classification: Pathogenic for Hereditary cancer-predisposing syndrome. Last evaluated: 2022-04-13. Review status: criteria provided, single submitter. Criteria: Ambry Variant Classification Scheme 2023. Collection method: clinical testing. Allele origin: germline.
Comment: The c.5277+1G>T intronic pathogenic mutation results from a G to T substitution one nucleotide after coding exon 18 of the BRCA1 gene. Alterations that disrupt the canonical splice site are expected to result in aberrant splicing. In silico splice site analysis predicts that this alteration will weaken the native splice donor site. The resulting transcript is predicted to be in-frame and is not expected to trigger nonsense-mediated mRNAdecay; however, direct evidence is unavailable. The exact functional effect of the altered amino acid sequence is unknown, but the impacted region is critical for protein function (Ambry internal data). One functional study found that this nucleotide substitution is non-functional in a high-throughput, genome editing, haploid cell survival assay (Findlay GM et al. Nature, 2018 10;562:217-222). This nucleotide position is highly conserved in available vertebrate species. Based on the supporting evidence, this alteration is interpreted as a disease-causing mutation.

Labcorp Genetics (formerly Invitae), Labcorp
Classification: Pathogenic for Hereditary breast ovarian cancer syndrome. Last evaluated: 2019-01-31. Review status: criteria provided, single submitter. Criteria: Invitae Variant Classification Sherloc (09022015). Collection method: clinical testing. Allele origin: germline.
Comment: Donor and acceptor splice site variants typically lead to a loss of protein function (PMID: 16199547), and loss-of-function variants in BRCA1 are known to be pathogenic (PMID: 20104584). For these reasons, this variant has been classified as Pathogenic. Experimental studies have shown that this variant disrupts mRNA splicing and/or protein function (PMID: 30209399). This variant has not been reported in the literature in individuals with BRCA1-related conditions. ClinVar contains an entry for this variant (Variation ID: 462668). This variant is not present in population databases (ExAC no frequency). This sequence change affects a donor splice site in intron 19 of the BRCA1 gene. It is expected to disrupt RNA splicing and likely results in an absent or disrupted protein product.

Brotman Baty Institute, University of Washington
No classification provided (evidence only). Condition: Breast-ovarian cancer, familial 1. Review status: no classification provided. Collection method: in vitro. Allele origin: not applicable. Functional consequence: functionally_abnormal. Not counted in ClinVar's aggregate classification.
ClinVar note: "not provided" was previously submitted as the classification for the variant. However, the classification appeared to be based only on an observation of functional data so it was converted to no classification on 2025-07-30.

Literature cited by the submitters: PubMed 30209399 (cited by Ambry Genetics and Labcorp Genetics (formerly Invitae), Labcorp); PubMed 16199547 (cited by Labcorp Genetics (formerly Invitae), Labcorp); PubMed 20104584 (cited by Labcorp Genetics (formerly Invitae), Labcorp).

NM_007294.4(BRCA1):c.5277+1G>T

Gene: BRCA1 (BRCA1 DNA repair associated; minus strand). Cytogenetic location: 17q21.31.
Variant type: single nucleotide variant.
Coding change: c.5277+1G>T on transcript NM_007294.4 (MANE Select); the canonical splice donor site of the intron after coding-DNA position 5277, G replaced by T.
Molecular consequence: splice donor variant.
Genome position (GRCh38, 1-based): chr17:43,057,051, C>A on the plus strand (G>T on the coding strand, the complement: BRCA1 is on the minus strand). VCF-style: chr17-43057051-C-A. GRCh37 (hg19) VCF-style: chr17-41209068-C-A.
Other names: c.5277+1G>T (NM_001407598.1, NM_001407854.1, NM_001407596.1 and 7 more transcripts); c.1752+1G>T (NM_001408492.1, NM_001408493.1); c.1821+1G>T (NM_001408468.1, NM_001408470.1, NM_001408469.1); c.5130+1G>T (NM_001407842.1, NM_001407846.1, NM_001407850.1 and 12 more transcripts); c.5133+1G>T (NM_001407749.1, NM_001407943.1, NM_001407748.1 and 21 more transcripts); c.1704+1G>T (NM_001408501.1, NM_001408500.1, NM_001408497.1 and 3 more transcripts); c.1827+1G>T (NM_001408455.1, NM_001408452.1, NM_001408457.1 and 3 more transcripts); c.5136+1G>T (NM_001407731.1, NM_001407695.1, NM_001407726.1 and 13 more transcripts); and 72 more.
Identifiers: ClinVar variation 462668 (VCV000462668.14), dbSNP rs80358150, ClinGen allele CA10590997.